The following is an entry in ClinVar:

ClinVar aggregate classification (germline): Uncertain significance (1 of 4 stars; one submission).

Submission:

GeneDx
Classification: Uncertain significance. Last evaluated: 2025-01-23. Review status: criteria provided, single submitter. Criteria: GeneDx Variant Classification Process June 2021. Collection method: clinical testing. Allele origin: germline. Affected: yes.
Comment: Not observed at significant frequency in large population cohorts (gnomAD); In silico analysis supports a deleterious effect on protein structure/function; Has not been previously published as pathogenic or benign to our knowledge

NM_000213.5(ITGB4):c.592_594delinsAAA (p.Asp198Lys)

Gene: ITGB4 (integrin subunit beta 4; plus strand). Cytogenetic location: 17q25.1.
Variant type: Indel.
Coding change: c.592_594delinsAAA on transcript NM_000213.5 (MANE Select); coding-DNA positions 592 to 594, GAC replaced by AAA.
Protein change: p.Asp198Lys; replaces aspartic acid 198 with lysine.
Molecular consequence: missense variant.
Genome position (GRCh38, 1-based): chr17:75,729,290-75,729,292, GAC replaced by AAA. VCF-style: chr17-75729290-GAC-AAA. GRCh37 (hg19) VCF-style: chr17-73725371-GAC-AAA.
Other names: c.592_594delGACinsAAA, p.Asp198Lys (NM_001005619.2); c.592_594delinsAAA, p.Asp198Lys (NM_001005731.3, NM_001321123.2); short protein forms D198K.
Identifiers: ClinVar variation 4071784 (VCV004071784.1).